The following is an entry in ClinVar:

ClinVar aggregate classification (germline): Uncertain significance. Review status: criteria provided, multiple submitters, no conflicts (2 of 4 stars). 3 submissions from 3 submitters: Uncertain significance (3). Last evaluated 2025-11-22.

Conditions:
REST-related disorder. Also called: REST-related condition.
Inborn genetic diseases. Identifiers: MedGen C0950123, MeSH D030342.

Allele frequency attached by ClinVar (database versions not stated): ExAC 0.00001; gnomAD exomes 0.00001; gnomAD 0.00005; ESP Exome Variant Server 0.00008; TOPMed 0.00010.
gnomAD v4.1: 23 of 1,614,010 alleles (0.0014%); highest among the groups gnomAD compares: African/African-American, 0.02%; no homozygotes.

Submissions (3):

PreventionGenetics, part of Exact Sciences
Classification: Uncertain significance for REST-related condition. Last evaluated: 2025-11-22. Review status: criteria provided, single submitter. Criteria: ACMG Guidelines, 2015. Collection method: clinical testing. Allele origin: germline.
Comment: The REST c.68G>A variant is predicted to result in the amino acid substitution p.Gly23Glu. To our knowledge, this variant has not been reported in the literature. This variant is reported in 0.0062% of alleles in individuals of African descent in gnomAD. At this time, the clinical significance of this variant is uncertain due to the absence of conclusive functional and genetic evidence.

Labcorp Genetics (formerly Invitae), Labcorp
Classification: Uncertain significance. Last evaluated: 2024-01-09. Review status: criteria provided, single submitter. Criteria: Invitae Variant Classification Sherloc (09022015). Collection method: clinical testing. Allele origin: germline.
Comment: This sequence change replaces glycine, which is neutral and non-polar, with glutamic acid, which is acidic and polar, at codon 23 of the REST protein (p.Gly23Glu). This variant is present in population databases (rs375511894, gnomAD 0.01%). This variant has not been reported in the literature in individuals affected with REST-related conditions. ClinVar contains an entry for this variant (Variation ID: 2629540). An algorithm developed to predict the effect of missense changes on protein structure and function (PolyPhen-2) suggests that this variant is likely to be disruptive. In summary, the available evidence is currently insufficient to determine the role of this variant in disease. Therefore, it has been classified as a Variant of Uncertain Significance.

Ambry Genetics
Classification: Uncertain significance for Inborn genetic diseases. Last evaluated: 2023-12-31. Review status: criteria provided, single submitter. Criteria: Ambry Variant Classification Scheme 2023. Collection method: clinical testing. Allele origin: germline.

NM_005612.5(REST):c.68G>A (p.Gly23Glu)

Gene: REST (RE1 silencing transcription factor; plus strand). Cytogenetic location: 4q12.
Variant type: single nucleotide variant.
Coding change: c.68G>A on transcript NM_005612.5 (MANE Select); coding-DNA position 68, G replaced by A.
Protein change: p.Gly23Glu; replaces glycine 23 with glutamic acid.
Molecular consequence: missense variant.
Genome position (GRCh38, 1-based): chr4:56,910,706, G>A. VCF-style: chr4-56910706-G-A. GRCh37 (hg19) VCF-style: chr4-57776872-G-A.
Other names: c.68G>A, p.Gly23Glu (NM_001193508.2, NM_001363453.3); short protein forms G23E.
Identifiers: ClinVar variation 2629540 (VCV002629540.6), dbSNP rs375511894, ClinGen allele CA2932036.
Genomic context (GRCh38, chr4:56,910,706, plus strand): 5'-CCCAGGTAATGGGGCAGTCTTCTGGAGGAGGAGGGCTGTTTACCAGCAGTGGCAACATTG[G>A]AATGGCCCTGCCTAACGACATGTATGACTTGCATGACCTTTCCAAAGCTGAACTGGCCGC-3'
Protein context (NP_005603.3, residues 13-33): GGLFTSSGNI[Gly23Glu]MALPNDMYDL